The following is an entry in ClinVar:

NM_001330700.2(TOP2B):c.1967G>T (p.Arg656Leu)

Gene: TOP2B (DNA topoisomerase II beta; minus strand). Cytogenetic location: 3p24.2.
Variant type: single nucleotide variant.
Coding change: c.1967G>T on transcript NM_001330700.2 (MANE Select); coding-DNA position 1967, G replaced by T.
Protein change: p.Arg656Leu; replaces arginine 656 with leucine.
Molecular consequence: missense variant.
Genome position (GRCh38, 1-based): chr3:25,627,236, C>A on the plus strand (G>T on the coding strand, the complement: TOP2B is on the minus strand). VCF-style: chr3-25627236-C-A. GRCh37 (hg19) VCF-style: chr3-25668727-C-A.
Other names: c.1952G>T, p.Arg651Leu (NM_001068.3); short protein forms R651L, R656L.
Identifiers: ClinVar variation 3631309 (VCV003631309.2).

ClinVar aggregate classification (germline): Uncertain significance (1 of 4 stars; one submission).

gnomAD v4.1: 1 of 1,609,790 alleles (0.000062%); highest among the groups gnomAD compares: Non-Finnish European, 0.000085%; no homozygotes.

Submission:

Labcorp Genetics (formerly Invitae), Labcorp
Classification: Uncertain significance. Last evaluated: 2024-02-06. Review status: criteria provided, single submitter. Criteria: Invitae Variant Classification Sherloc (09022015). Collection method: clinical testing. Allele origin: germline.
Comment: This sequence change replaces arginine, which is basic and polar, with leucine, which is neutral and non-polar, at codon 651 of the TOP2B protein (p.Arg651Leu). This variant is not present in population databases (gnomAD no frequency). This variant has not been reported in the literature in individuals affected with TOP2B-related conditions. An algorithm developed to predict the effect of missense changes on protein structure and function (PolyPhen-2) suggests that this variant is likely to be tolerated. In summary, the available evidence is currently insufficient to determine the role of this variant in disease. Therefore, it has been classified as a Variant of Uncertain Significance.